The following is an entry in ClinVar:

ClinVar aggregate classification (germline): Uncertain significance. Review status: criteria provided, single submitter (1 of 4 stars). 2 submissions from 2 submitters: Uncertain significance (1). 1 of the submissions does not count toward it. Last evaluated 2024-05-19.

Conditions:
Polyglandular autoimmune syndrome, type 1 (APS1). Also called: Autoimmune polyendocrinopathy syndrome, type I; Autoimmune polyendocrinopathy syndrome , type I, with or without reversible metaphyseal dysplasia; AUTOIMMUNE POLYENDOCRINE SYNDROME, TYPE I, WITH OR WITHOUT REVERSIBLE METAPHYSEAL DYSPLASIA; APS I; PGA I; Autoimmune polyendocrine syndrome type 1. Identifiers: Orphanet 3453, MedGen C0085859, MONDO:0009411, OMIM 240300.

Allele frequency attached by ClinVar (database versions not stated): gnomAD exomes 0.00003 and 0.00004; gnomAD 0.00004 and 0.00005; TOPMed 0.00005; ExAC 0.00008; 1000 Genomes Project 30x 0.00031.

Submissions (2):

Labcorp Genetics (formerly Invitae), Labcorp
Classification: Uncertain significance for Polyglandular autoimmune syndrome, type 1. Last evaluated: 2024-05-19. Review status: criteria provided, single submitter. Criteria: Invitae Variant Classification Sherloc (09022015). Collection method: clinical testing. Allele origin: germline.
Comment: This sequence change replaces threonine, which is neutral and polar, with methionine, which is neutral and non-polar, at codon 468 of the AIRE protein (p.Thr468Met). The frequency data for this variant in the population databases is considered unreliable, as metrics indicate poor data quality at this position in the gnomAD database. This variant has not been reported in the literature in individuals affected with AIRE-related conditions. ClinVar contains an entry for this variant (Variation ID: 576252). An algorithm developed to predict the effect of missense changes on protein structure and function (PolyPhen-2) suggests that this variant¬†is likely to be tolerated. In summary, the available evidence is currently insufficient to determine the role of this variant in disease. Therefore, it has been classified as a Variant of Uncertain Significance.

Natera, Inc.
Classification: Uncertain significance for Polyglandular autoimmune syndrome type 1. Last evaluated: 2019-10-28. Review status: no assertion criteria provided. Collection method: clinical testing. Allele origin: germline. Not counted in ClinVar's aggregate classification.

NM_000383.4(AIRE):c.1403C>T (p.Thr468Met)

Gene: AIRE (autoimmune regulator; plus strand). Cytogenetic location: 21q22.3.
Variant type: single nucleotide variant.
Coding change: c.1403C>T on transcript NM_000383.4 (MANE Select); coding-DNA position 1403, C replaced by T.
Protein change: p.Thr468Met; replaces threonine 468 with methionine.
Molecular consequence: missense variant.
Genome position (GRCh38, 1-based): chr21:44,294,403, C>T. VCF-style: chr21-44294403-C-T. GRCh37 (hg19) VCF-style: chr21-45714286-C-T.
Other names: short protein forms T468M.
Identifiers: ClinVar variation 576252 (VCV000576252.5), dbSNP rs775349581, ClinGen allele CA10052121.